The following is an entry in ClinVar:

ClinVar aggregate classification (germline): Uncertain significance. Review status: criteria provided, multiple submitters, no conflicts (2 of 4 stars). 2 submissions from 2 submitters: Uncertain significance (2). Last evaluated 2021-08-06.

Conditions:
Autosomal recessive ataxia, Beauce type. Also called: SYNE1-Related Autosomal Recessive Cerebellar Ataxia; SYNE1 Deficiency; Spinocerebellar ataxia, autosomal recessive 8; ATAXIA, RECESSIVE, OF BEAUCE. Identifiers: Orphanet 88644, MedGen C1853116, MONDO:0012549, OMIM 610743.
Emery-Dreifuss muscular dystrophy 4, autosomal dominant (EDMD4). Also called: EMERY-DREIFUSS MUSCULAR DYSTROPHY 4 WITH VARIABLE FEATURES. Identifiers: Orphanet 261, MedGen C2751807, MONDO:0013071, OMIM 612998.

Allele frequency attached by ClinVar (database versions not stated): gnomAD exomes below 0.00001; ExAC 0.00001; gnomAD 0.00001; TOPMed 0.00001; ESP Exome Variant Server 0.00008.
gnomAD v4.1: 2 of 1,613,950 alleles (0.00012%); highest among the groups gnomAD compares: African/African-American, 0.0027%; no homozygotes.

Submissions (2):

Labcorp Genetics (formerly Invitae), Labcorp
Classification: Uncertain significance for Emery-Dreifuss muscular dystrophy 4, autosomal dominant; Autosomal recessive ataxia, Beauce type. Last evaluated: 2021-08-06. Review status: criteria provided, single submitter. Criteria: Invitae Variant Classification Sherloc (09022015). Collection method: clinical testing. Allele origin: germline.
Comment: This sequence change replaces tryptophan with cysteine at codon 1677 of the SYNE1 protein (p.Trp1677Cys). The tryptophan residue is highly conserved and there is a large physicochemical difference between tryptophan and cysteine. This variant is present in population databases (rs373448917, ExAC 0.01%). This variant has not been reported in the literature in individuals affected with SYNE1-related conditions. Algorithms developed to predict the effect of missense changes on protein structure and function are either unavailable or do not agree on the potential impact of this missense change (SIFT: "Deleterious"; PolyPhen-2: "Benign"; Align-GVGD: "Class C0"). In summary, the available evidence is currently insufficient to determine the role of this variant in disease. Therefore, it has been classified as a Variant of Uncertain Significance.

Revvity Omics, Revvity
Classification: Uncertain significance. Last evaluated: 2020-02-11. Review status: criteria provided, single submitter. Criteria: ACMG Guidelines, 2015. Collection method: clinical testing. Allele origin: germline.

NM_182961.4(SYNE1):c.5010G>T (p.Trp1670Cys)

Gene: SYNE1 (spectrin repeat containing nuclear envelope protein 1; minus strand). Cytogenetic location: 6q25.2.
Variant type: single nucleotide variant.
Coding change: c.5010G>T on transcript NM_182961.4 (MANE Select); coding-DNA position 5010, G replaced by T.
Protein change: p.Trp1670Cys; replaces tryptophan 1670 with cysteine.
Molecular consequence: missense variant.
Genome position (GRCh38, 1-based): chr6:152,427,783, C>A on the plus strand (G>T on the coding strand, the complement: SYNE1 is on the minus strand). VCF-style: chr6-152427783-C-A. GRCh37 (hg19) VCF-style: chr6-152748918-C-A.
Other names: c.5031G>T (NM_033071.3); c.5031G>T, p.Trp1677Cys (NM_033071.5); short protein forms W1677C, W1670C.
Identifiers: ClinVar variation 1357528 (VCV001357528.5), dbSNP rs373448917, ClinGen allele CA4058397.